The following is an entry in ClinVar:

NM_000138.5(FBN1):c.5444G>A (p.Gly1815Asp)

Gene: FBN1 (fibrillin 1; minus strand). Cytogenetic location: 15q21.1.
Variant type: single nucleotide variant.
Coding change: c.5444G>A on transcript NM_000138.5 (MANE Select); coding-DNA position 5444, G replaced by A.
Protein change: p.Gly1815Asp; replaces glycine 1815 with aspartic acid.
Molecular consequence: missense variant.
Genome position (GRCh38, 1-based): chr15:48,452,663, C>T on the plus strand (G>A on the coding strand, the complement: FBN1 is on the minus strand). VCF-style: chr15-48452663-C-T. GRCh37 (hg19) VCF-style: chr15-48744860-C-T.
Other names: c.5444G>A, p.Gly1815Asp (NM_001406716.1); short protein forms G1815D.
Identifiers: ClinVar variation 3069379 (VCV003069379.2), dbSNP rs1339771077, ClinGen allele CA392344440.

ClinVar aggregate classification (germline): Uncertain significance. Review status: criteria provided, multiple submitters, no conflicts (2 of 4 stars). 2 submissions from 2 submitters: Uncertain significance (2). Last evaluated 2024-03-06.

Conditions:
Marfan syndrome (MFS). Also called: MARFAN SYNDROME, TYPE I; Marfan syndrome type 1; Marfan's syndrome; Marfan syndrome, classic; FBN1-Related Marfan Syndrome. Identifiers: Orphanet 284963, Orphanet 558, MedGen C0024796, MONDO:0007947, OMIM 154700.
Familial thoracic aortic aneurysm and aortic dissection (TAAD). Also called: Thoracic aortic aneurysms and dissections. Identifiers: Orphanet 91387, MedGen C4707243, MONDO:0019625.

Allele frequency attached by ClinVar (database versions not stated): gnomAD 0.00001; TOPMed below 0.00001.
gnomAD v4.1: 1 of 1,614,012 alleles (0.000062%); highest among the groups gnomAD compares: Non-Finnish European, 0.000085%; no homozygotes.

Submissions (2):

Color Diagnostics, LLC DBA Color Health
Classification: Uncertain significance for Familial thoracic aortic aneurysm and aortic dissection. Last evaluated: 2024-03-06. Review status: criteria provided, single submitter. Criteria: ACMG Guidelines, 2015. Collection method: clinical testing. Allele origin: germline.
Comment: This missense variant replaces glycine with aspartic acid at codon 1815 of the FBN1 protein. Computational prediction suggests that this variant may have deleterious impact on protein structure and function. To our knowledge, functional studies have not been reported for this variant. This variant has not been reported in individuals affected with cardiovascular disorders in the literature. This variant has not been identified in the general population by the Genome Aggregation Database (gnomAD). The available evidence is insufficient to determine the role of this variant in disease conclusively. Therefore, this variant is classified as a Variant of Uncertain Significance.

All of Us Research Program, National Institutes of Health
Classification: Uncertain significance for Marfan syndrome. Last evaluated: 2023-02-15. Review status: criteria provided, single submitter. Criteria: ACMG Guidelines, 2015. Collection method: clinical testing. Allele origin: germline. Inheritance: Autosomal dominant inheritance. Observed: 1 variant allele, 1 heterozygote.
Comment: This missense variant replaces glycine with aspartic acid at codon 1815 of the FBN1 protein. Computational prediction suggests that this variant may have deleterious impact on protein structure and function (internally defined REVEL score threshold >= 0.7, PMID: 27666373). To our knowledge, functional studies have not been reported for this variant. This variant has not been reported in individuals affected with cardiovascular disorders in the literature. This variant has not been identified in the general population by the Genome Aggregation Database (gnomAD). The available evidence is insufficient to determine the role of this variant in disease conclusively. Therefore, this variant is classified as a Variant of Uncertain Significance.

This study involves interpretation of variants in research participants for the purpose of population health screening. Participant phenotype was not available at the time of variant classification. Additional details can be found in publication PMID: 35346344, PMCID: PMC8962531